The following is an entry in ClinVar:

ClinVar aggregate classification (germline): Uncertain significance (1 of 4 stars; one submission).

Conditions:
Hereditary diffuse gastric adenocarcinoma (HDGC). Also called: DIFFUSE GASTRIC AND LOBULAR BREAST CANCER SYNDROME. Identifiers: Orphanet 26106, MedGen C1708349, MONDO:0007648, OMIM 137215.

Allele frequency attached by ClinVar (database versions not stated): gnomAD 0.00001; TOPMed 0.00002; gnomAD exomes 0.00003.
gnomAD v4.1: 15 of 696,282 alleles (0.0022%); highest among the groups gnomAD compares: Non-Finnish European, 0.0039%; no homozygotes.

Submission:

European Reference Network on Genetic Tumour Risk Syndromes (ERN-GENTURIS), i3s - Instituto de Investigação e Inovação em Saúde, University of Porto
Classification: Uncertain significance for Hereditary diffuse gastric adenocarcinoma. Last evaluated: 2022-08-01. Review status: criteria provided, single submitter. Criteria: Lee et al. (Hum Mutat. 2018). Collection method: clinical testing. Allele origin: germline. Inheritance: Autosomal dominant inheritance. Affected: no. Study: ERN GENTURIS.
Comment: PM2 (PMID: 30311375)

Literature cited by the submitters: PubMed 36436516.

NM_004360.5(CDH1):c.1712-151G>T

Gene: CDH1 (cadherin 1; plus strand). Cytogenetic location: 16q22.1.
Variant type: single nucleotide variant.
Coding change: c.1712-151G>T on transcript NM_004360.5 (MANE Select); 151 bases into the intron before coding-DNA position 1712, G replaced by T.
Molecular consequence: intron variant.
Genome position (GRCh38, 1-based): chr16:68,821,850, G>T. VCF-style: chr16-68821850-G-T. GRCh37 (hg19) VCF-style: chr16-68855753-G-T.
Other names: c.164-151G>T (NM_001317185.2); c.-254-151G>T (NM_001317186.2); c.1529-151G>T (NM_001317184.2).
Identifiers: ClinVar variation 2502972 (VCV002502972.1), dbSNP rs956679611, ClinGen allele CA283311823.